The following is an entry in ClinVar:

ClinVar aggregate classification (germline): Uncertain significance. Review status: criteria provided, multiple submitters, no conflicts (2 of 4 stars). 2 submissions from 2 submitters: Uncertain significance (2). Last evaluated 2023-09-12.

Conditions:
Microcephaly, normal intelligence and immunodeficiency (NBS). Also called: Immunodeficiency, microcephaly with normal intelligence; SEEMANOVA SYNDROME II; Nijmegen breakage syndrome; Microcephaly with normal intelligence immunodeficiency and lymphoreticular malignancies; Nonsyndromal microcephaly autosomal recessive with normal intelligence; Seemanova syndrome 2. Identifiers: Orphanet 647, MedGen C0398791, MONDO:0009623, OMIM 251260.

Submissions (2):

Labcorp Genetics (formerly Invitae), Labcorp
Classification: Uncertain significance for Microcephaly, normal intelligence and immunodeficiency. Last evaluated: 2023-09-12. Review status: criteria provided, single submitter. Criteria: Invitae Variant Classification Sherloc (09022015). Collection method: clinical testing. Allele origin: germline.
Comment: In summary, the available evidence is currently insufficient to determine the role of this variant in disease. Therefore, it has been classified as a Variant of Uncertain Significance. An algorithm developed to predict the effect of missense changes on protein structure and function (PolyPhen-2) suggests that this variant is likely to be tolerated. ClinVar contains an entry for this variant (Variation ID: 633332). This variant has not been reported in the literature in individuals affected with NBN-related conditions. This variant is not present in population databases (gnomAD no frequency). This sequence change replaces arginine, which is basic and polar, with threonine, which is neutral and polar, at codon 590 of the NBN protein (p.Arg590Thr).

Women's Health and Genetics/Laboratory Corporation of America, LabCorp
Classification: Uncertain significance. Last evaluated: 2018-08-17. Review status: criteria provided, single submitter. Criteria: LabCorp Variant Classification Summary - May 2015. Collection method: clinical testing. Allele origin: germline.
Comment: Variant summary: NBN c.1769G>C (p.Arg590Thr) results in a non-conservative amino acid change in the encoded protein sequence. Four of five in-silico tools predict a benign effect of the variant on protein function. The variant was absent in 276572 control chromosomes. The available data on variant occurrences in the general population are insufficient to allow any conclusion about variant significance. To our knowledge, no occurrence of c.1769G>C in individuals affected with Nijmegen Breakage Syndrome and no experimental evidence demonstrating its impact on protein function have been reported. No clinical diagnostic laboratories have submitted clinical-significance assessments for this variant to ClinVar after 2014. Based on the evidence outlined above, the variant was classified as uncertain significance.

NM_002485.5(NBN):c.1769G>C (p.Arg590Thr)

Gene: NBN (nibrin; minus strand). Cytogenetic location: 8q21.3.
Variant type: single nucleotide variant.
Coding change: c.1769G>C on transcript NM_002485.5 (MANE Select); coding-DNA position 1769, G replaced by C.
Protein change: p.Arg590Thr; replaces arginine 590 with threonine.
Molecular consequence: missense variant.
Genome position (GRCh38, 1-based): chr8:89,953,320, C>G on the plus strand (G>C on the coding strand, the complement: NBN is on the minus strand). VCF-style: chr8-89953320-C-G. GRCh37 (hg19) VCF-style: chr8-90965548-C-G.
Other names: c.1523G>C, p.Arg508Thr (NM_001024688.3); short protein forms R590T, R508T.
Identifiers: ClinVar variation 633332 (VCV000633332.8), dbSNP rs1563524967, ClinGen allele CA371655132.